The following is an entry in ClinVar:

ClinVar aggregate classification (germline): Uncertain significance. Review status: criteria provided, single submitter (1 of 4 stars). 2 submissions from 2 submitters: Uncertain significance (1). 1 of the submissions does not count toward it. Last evaluated 2023-10-03.

Conditions:
Zellweger spectrum disorders (ZS). Also called: Zellweger syndrome; Zellweger Spectrum Disorder; Zellweger Spectrum; Zellweger Spectrum Disorder (ZSD). Identifiers: Orphanet 912, MedGen C0043459, MONDO:0019609.

Allele frequency attached by ClinVar (database versions not stated): gnomAD exomes 0.00001; TOPMed 0.00001.
gnomAD v4.1: 3 of 1,613,906 alleles (0.00019%); highest among the groups gnomAD compares: South Asian, 0.0022%; no homozygotes.

Submissions (2):

Labcorp Genetics (formerly Invitae), Labcorp
Classification: Uncertain significance for Zellweger spectrum disorders. Last evaluated: 2023-10-03. Review status: criteria provided, single submitter. Criteria: Invitae Variant Classification Sherloc (09022015). Collection method: clinical testing. Allele origin: germline.
Comment: This sequence change falls in intron 12 of the PEX1 gene. It does not directly change the encoded amino acid sequence of the PEX1 protein. It affects a nucleotide within the consensus splice site. This variant is not present in population databases (gnomAD no frequency). This variant has not been reported in the literature in individuals affected with PEX1-related conditions. ClinVar contains an entry for this variant (Variation ID: 939320). Variants that disrupt the consensus splice site are a relatively common cause of aberrant splicing (PMID: 17576681, 9536098). Algorithms developed to predict the effect of sequence changes on RNA splicing suggest that this variant may disrupt the consensus splice site. In summary, the available evidence is currently insufficient to determine the role of this variant in disease. Therefore, it has been classified as a Variant of Uncertain Significance.

Natera, Inc.
Classification: Uncertain significance for Zellweger syndrome. Last evaluated: 2018-08-26. Review status: no assertion criteria provided. Collection method: clinical testing. Allele origin: germline. Not counted in ClinVar's aggregate classification.

Literature cited by the submitters: PubMed 17576681 (cited by Labcorp Genetics (formerly Invitae), Labcorp); PubMed 9536098 (cited by Labcorp Genetics (formerly Invitae), Labcorp).

NM_000466.3(PEX1):c.2071+3A>G

Gene: PEX1 (peroxisomal biogenesis factor 1; minus strand). Cytogenetic location: 7q21.2.
Variant type: single nucleotide variant.
Coding change: c.2071+3A>G on transcript NM_000466.3 (MANE Select); 3 bases into the intron after coding-DNA position 2071, A replaced by G.
Molecular consequence: intron variant.
Genome position (GRCh38, 1-based): chr7:92,504,729, T>C on the plus strand (A>G on the coding strand, the complement: PEX1 is on the minus strand). VCF-style: chr7-92504729-T-C. GRCh37 (hg19) VCF-style: chr7-92134043-T-C.
Other names: c.1900+1519A>G (NM_001282677.2); c.1447+3A>G (NM_001282678.2).
Identifiers: ClinVar variation 939320 (VCV000939320.10), dbSNP rs1189294296, ClinGen allele CA843848847.